The following is an entry in ClinVar:

NM_004046.6(ATP5F1A):c.-59G>A

Genes: ATP5F1A (ATP synthase F1 subunit alpha; minus strand), LOC126862738 (BRD4-independent group 4 enhancer GRCh37_chr18:43677662-43678861; plus strand). Cytogenetic location: 18q21.1.
Variant type: single nucleotide variant.
Coding change: c.-59G>A on transcript NM_004046.6 (MANE Select); 59 bases upstream of the start codon, G replaced by A.
Molecular consequence: 5 prime UTR variant. On other transcripts: intron variant (1).
Genome position (GRCh38, 1-based): chr18:46,098,290, C>T on the plus strand (G>A on the coding strand, the complement: ATP5F1A is on the minus strand). VCF-style: chr18-46098290-C-T. GRCh37 (hg19) VCF-style: chr18-43678256-C-T.
Other names: c.-282G>A (NM_001001935.3); c.-59G>A (NM_001257334.2); c.-545G>A (NM_001257335.2); c.-48-11G>A (NM_001001937.2).
Identifiers: ClinVar variation 4685072 (VCV004685072.1).
Genomic context (GRCh38, chr18:46,098,290, plus strand): 5'-ATCTTTGCAGTTACTCCGCAGGCGGTACTTCTGCAGCCGCAGCCTCCGGACTGACTGGGA[C>T]AAAATGGCCGAGCCGCAAAGAAGGTCAAGACAGCCGGCCCACCTGACCCGGAAGTACTGC-3'

ClinVar aggregate classification (germline): Uncertain significance (1 of 4 stars; one submission).

gnomAD v4.1: 220 of 1,518,606 alleles (0.014%); highest among the groups gnomAD compares: Non-Finnish European, 0.019%; no homozygotes.

Submission:

GeneDx
Classification: Uncertain significance. Last evaluated: 2025-07-07. Review status: criteria provided, single submitter. Criteria: GeneDx Variant Classification Process June 2021. Collection method: clinical testing. Allele origin: germline. Affected: yes.
Comment: Has not been previously published as pathogenic or benign to our knowledge; Located in a regulatory region; in the absence of functional studies, the actual effect of this sequence change is unknown; In silico analysis suggests that this variant does not alter splicing